The following is an entry in ClinVar:

NM_145117.5(NAV2):c.5934C>A (p.Leu1978=)

Gene: NAV2 (neuron navigator 2; plus strand). Cytogenetic location: 11p15.1.
Variant type: single nucleotide variant.
Coding change: c.5934C>A on transcript NM_145117.5 (MANE Select); coding-DNA position 5934, C replaced by A.
Protein change: p.Leu1978=; no amino-acid change (leucine 1978 retained).
Molecular consequence: synonymous variant.
Genome position (GRCh38, 1-based): chr11:20,095,689, C>A. VCF-style: chr11-20095689-C-A. GRCh37 (hg19) VCF-style: chr11-20117235-C-A.
Other names: c.5742C>A, p.Leu1914= (NM_001111018.2); c.3126C>A, p.Leu1042= (NM_001111019.3); c.6111C>A, p.Leu2037= (NM_001244963.2); c.5943C>A, p.Leu1981= (NM_182964.6).
Identifiers: ClinVar variation 3035227 (VCV003035227.2), dbSNP rs34775480, ClinGen allele CA5919220.

ClinVar aggregate classification (germline): Likely benign (0 of 4 stars; one submission).

Conditions:
NAV2-related disorder. Also called: NAV2-related condition.

Allele frequency attached by ClinVar (database versions not stated): 1000 Genomes Project 0.00140; 1000 Genomes Project 30x 0.00187.
gnomAD v4.1: 286 of 1,613,702 alleles (0.018%); highest among the groups gnomAD compares: African/African-American, 0.35%; no homozygotes.

Submission:

PreventionGenetics, part of Exact Sciences
Classification: Likely benign for NAV2-related condition. Last evaluated: 2019-12-23. Review status: no assertion criteria provided. Collection method: clinical testing. Allele origin: germline.
Comment: This variant is classified as likely benign based on ACMG/AMP sequence variant interpretation guidelines (Richards et al. 2015 PMID: 25741868, with internal and published modifications).